The following is an entry in ClinVar:

NM_015046.7(SETX):c.1914G>T (p.Leu638Phe)

Gene: SETX (senataxin; minus strand). Cytogenetic location: 9q34.13.
Variant type: single nucleotide variant.
Coding change: c.1914G>T on transcript NM_015046.7 (MANE Select); coding-DNA position 1914, G replaced by T.
Protein change: p.Leu638Phe; replaces leucine 638 with phenylalanine.
Molecular consequence: missense variant.
Genome position (GRCh38, 1-based): chr9:132,329,684, C>A on the plus strand (G>T on the coding strand, the complement: SETX is on the minus strand). VCF-style: chr9-132329684-C-A. GRCh37 (hg19) VCF-style: chr9-135205071-C-A.
Other names: c.1914G>T, p.Leu638Phe (NM_001351527.2, NM_001351528.2); short protein forms L638F.
Identifiers: ClinVar variation 3762488 (VCV003762488.4).

ClinVar aggregate classification (germline): Uncertain significance. Review status: criteria provided, multiple submitters, no conflicts (2 of 4 stars). 2 submissions from 2 submitters: Uncertain significance (2). Last evaluated 2026-02-26.

Conditions:
Spinocerebellar ataxia, autosomal recessive, with axonal neuropathy 2 (SCAN2). Also called: Ataxia-ocular apraxia-2; Ataxia with Oculomotor Apraxia Type 2; ATAXIA-OCULOMOTOR APRAXIA 2; Ataxia with Oculomotor Apraxia. Identifiers: Orphanet 64753, MedGen C1853761, MONDO:0018996, OMIM 606002.
Amyotrophic lateral sclerosis type 4 (ALS4). Also called: AMYOTROPHIC LATERAL SCLEROSIS 4, JUVENILE; NEURONOPATHY, DISTAL HEREDITARY MOTOR, WITH PYRAMIDAL FEATURES. Identifiers: Orphanet 357043, MedGen C1865409, MONDO:0011223, OMIM 602433.

Submissions (2):

Dasa
Classification: Uncertain significance. Last evaluated: 2026-02-26. Review status: criteria provided, single submitter. Criteria: DASA Assertion Criteria. Collection method: clinical testing. Allele origin: germline.
Comment: NM_015046.7(SETX):c.1914G>T (p.Leu638Phe) is a missense variant that results in the substitution of leucine with phenylalanine. This variant is rare in population databases. Computational prediction algorithms are consistent with a benign effect. The currently available literature and clinical evidence are not sufficient to establish a definitive association between this variant and the reported condition. Therefore, this variant is classified as a variant of uncertain significance.

Labcorp Genetics (formerly Invitae), Labcorp
Classification: Uncertain significance for Amyotrophic lateral sclerosis type 4; Spinocerebellar ataxia, autosomal recessive, with axonal neuropathy 2. Last evaluated: 2026-01-27. Review status: criteria provided, single submitter. Criteria: Invitae Variant Classification Sherloc (09022015). Collection method: clinical testing. Allele origin: germline.
Comment: This sequence change replaces leucine, which is neutral and non-polar, with phenylalanine, which is neutral and non-polar, at codon 638 of the SETX protein (p.Leu638Phe). This variant is not present in population databases (gnomAD no frequency). This variant has not been reported in the literature in individuals affected with SETX-related conditions. ClinVar contains an entry for this variant (Variation ID: 3762488). Invitae Evidence Modeling of protein sequence and biophysical properties (such as structural, functional, and spatial information, amino acid conservation, physicochemical variation, residue mobility, and thermodynamic stability) indicates that this missense variant is not expected to disrupt SETX protein function with a negative predictive value of 95%. In summary, the available evidence is currently insufficient to determine the role of this variant in disease. Therefore, it has been classified as a Variant of Uncertain Significance.